The following is an entry in ClinVar:

NM_001093.4(ACACB):c.375G>A (p.Leu125=)

Gene: ACACB (acetyl-CoA carboxylase beta; plus strand). Cytogenetic location: 12q24.11.
Variant type: single nucleotide variant.
Coding change: c.375G>A on transcript NM_001093.4 (MANE Select); coding-DNA position 375, G replaced by A.
Protein change: p.Leu125=; no amino-acid change (leucine 125 retained).
Molecular consequence: synonymous variant. On other transcripts: intron variant (1).
Genome position (GRCh38, 1-based): chr12:109,139,780, G>A. VCF-style: chr12-109139780-G-A. GRCh37 (hg19) VCF-style: chr12-109577585-G-A.
Other names: c.375G>A, p.Leu125= (NM_001412734.1, NM_001412735.1); c.26+26365G>A (NM_001412737.1).
Identifiers: ClinVar variation 4997487 (VCV004997487.1).

ClinVar aggregate classification (germline): Likely benign (1 of 4 stars; one submission).

Conditions:
ACACB-related disorder. Also called: ACACB-related condition.

gnomAD v4.1: 4 of 1,614,104 alleles (0.00025%); highest among the groups gnomAD compares: Admixed American, 0.0067%; no homozygotes.

Submission:

PreventionGenetics, part of Exact Sciences
Classification: Likely benign for ACACB-related condition. Last evaluated: 2025-07-24. Review status: criteria provided, single submitter. Criteria: ACMG Guidelines, 2015. Collection method: clinical testing. Allele origin: germline.
Comment: This variant is classified as likely benign based on ACMG/AMP sequence variant interpretation guidelines (Richards et al. 2015 PMID: 25741868, with internal and published modifications).